The following is an entry in ClinVar:

GRCh38/hg38 22q11.1-11.21(chr22:16916608-18718532)x3

Genes: MICAL3 (microtubule associated monooxygenase, calponin and LIM domain containing 3; minus strand), MIR3198-1 (microRNA 3198-1; minus strand), MIR648 (microRNA 648; minus strand), PEX26 (peroxisomal biogenesis factor 26; plus strand), RIMBP3 (RIMS binding protein 3; minus strand) and 113 more. Cytogenetic location: 22q11.1-11.21.
Variant type: copy number gain.
Change: copy number 3 (three copies instead of two) of chr22:16,916,608-18,718,532 (1.80 Mb, GRCh38 coordinates, 1-based), cytogenetic band 22q11.1-11.21.
Identifiers: ClinVar variation 57427 (VCV000057427.1).

ClinVar aggregate classification (germline): Pathogenic. Review status: criteria provided, multiple submitters, no conflicts (2 of 4 stars). 3 submissions from 3 submitters: Pathogenic (3). Last evaluated 2011-08-12.

Submissions (3):

ISCA site 14
Classification: Pathogenic. Last evaluated: 2011-08-12. Review status: criteria provided, single submitter. Criteria: Kaminsky et al. (Genet Med. 2011). Collection method: clinical testing. Allele origin: de novo. Affected: yes. Observed: 1 variant allele.
Comment: Copy number variation identified through the course of routine clinical cytogenomic testing in postnatal populations. Clinical assertions have been curated as described in Kaminsky et al. 2011.

ISCA site 17
Classification: Pathogenic. Last evaluated: 2011-08-12. Review status: criteria provided, single submitter. Criteria: Kaminsky et al. (Genet Med. 2011). Collection method: clinical testing. Allele origin: unknown. Affected: yes. Observed: 1 variant allele.
Comment: the same text as in the submission from ISCA site 14 above.

ISCA site 4
Classification: Pathogenic. Last evaluated: 2011-08-12. Review status: criteria provided, single submitter. Criteria: Kaminsky et al. (Genet Med. 2011). Collection method: clinical testing. Allele origin: de novo. Affected: yes. Observed: 1 variant allele.
Comment: the same text as in the submission from ISCA site 14 above.